The following is an entry in ClinVar:

ClinVar aggregate classification (germline): Conflicting classifications of pathogenicity. Review status: criteria provided, conflicting classifications (1 of 4 stars). 2 submissions from 2 submitters: Likely pathogenic (1); Uncertain significance (1). Last evaluated 2023-07-17.

Conditions:
DYRK1A-related intellectual disability syndrome (MRD7). Also called: DYRK1A Syndrome; Intellectual developmental disorder, autosomal dominant 7. Identifiers: Orphanet 464306, MedGen C5568143, MONDO:0013578, OMIM 614104.

Submissions (2):

MVZ Medizinische Genetik Mainz
Classification: Uncertain significance for DYRK1A-related intellectual disability syndrome. Last evaluated: 2023-07-17. Review status: criteria provided, single submitter. Criteria: UK Practice Guidelines For Variant Classification V4 01 2020. Collection method: clinical testing. Allele origin: germline. Inheritance: Autosomal dominant inheritance. Affected: yes. Observed: 1 variant allele.
Comment: ACMG Criteria: PP3_MOD,PM2_SUP,PP2

Juno Genomics, Hangzhou Juno Genomics, Inc
Classification: Likely pathogenic for DYRK1A-related intellectual disability syndrome. Review status: criteria provided, single submitter. Criteria: ACMG Guidelines, 2015. Collection method: clinical testing. Allele origin: germline. Affected: yes.
Comment: Absent from controls (or at extremely low frequency if recessive) in Genome Aggregation Database, Exome Sequencing Project, 1000 Genomes Project, or Exome Aggregation Consortium.;De novo (both maternity and paternity confirmed) in a patient with the disease and no family history.;Missense variant in a gene that has a low rate of benign missense variation and where missense variants are a common mechanism of disease.;Multiple lines of computational evidence support a deleterious effect on the gene or gene product (conservation, evolutionary, splicing impact, etc).;Patient's phenotype or family history is highly specific for a disease with a single genetic etiology.

NM_001347721.2(DYRK1A):c.764A>C (p.Lys255Thr)

Gene: DYRK1A (dual specificity tyrosine phosphorylation regulated kinase 1A; plus strand). Cytogenetic location: 21q22.13.
Variant type: single nucleotide variant.
Coding change: c.764A>C on transcript NM_001347721.2 (MANE Select); coding-DNA position 764, A replaced by C.
Protein change: p.Lys255Thr; replaces lysine 255 with threonine.
Molecular consequence: missense variant.
Genome position (GRCh38, 1-based): chr21:37,490,301, A>C. VCF-style: chr21-37490301-A-C. GRCh37 (hg19) VCF-style: chr21-38862603-A-C.
Other names: c.764A>C, p.Lys255Thr (NM_001347722.2, NM_130436.2); c.677A>C, p.Lys226Thr (NM_001347723.2); c.791A>C, p.Lys264Thr (NM_001396.5, NM_101395.2, NM_130438.2); short protein forms K226T, K255T, K264T.
Identifiers: ClinVar variation 3066145 (VCV003066145.3), dbSNP rs2518028103, ClinGen allele CA409947562.